The following is an entry in ClinVar:

NM_024876.4(COQ8B):c.232C>T (p.Arg78Cys)

Gene: COQ8B (coenzyme Q8B; minus strand). Cytogenetic location: 19q13.2.
Variant type: single nucleotide variant.
Coding change: c.232C>T on transcript NM_024876.4 (MANE Select); coding-DNA position 232, C replaced by T.
Protein change: p.Arg78Cys; replaces arginine 78 with cysteine.
Molecular consequence: missense variant.
Genome position (GRCh38, 1-based): chr19:40,714,124, G>A on the plus strand (C>T on the coding strand, the complement: COQ8B is on the minus strand). VCF-style: chr19-40714124-G-A. GRCh37 (hg19) VCF-style: chr19-41220029-G-A.
Other names: c.232C>T, p.Arg78Cys (NM_001142555.3); short protein forms R78C.
Identifiers: ClinVar variation 380444 (VCV000380444.17), dbSNP rs11538384, ClinGen allele CA9450495.
Genomic context (GRCh38, chr19:40,714,124, plus strand): 5'-TACCCCCAAAGTTGGCCAAGCGGCTGATGCGGGAGGCAGGCACCTTGCGTTCTCGAGAGC[G>A]GTCACTCAGCTGGGAAATGGGGACAAGGTCTGAGGGTGGGAAAGTGGGCATCGTGGCCAG-3'
Protein context (NP_079152.3, residues 68-88): RKTPRPQLSD[Arg78Cys]SRERKVPASR

ClinVar aggregate classification (germline): Benign/Likely benign. Review status: criteria provided, multiple submitters, no conflicts (2 of 4 stars). 6 submissions from 6 submitters: Benign (3); Likely benign (2). 1 of the submissions does not count toward it. Last evaluated 2026-01-28.

Conditions:
Kidney disorder. Also called: Nephropathy; Kidney disease; Kidney Diseases; renal disease; renal disorder. Identifiers: MedGen C0022658, MONDO:0005240, HP:0000112.

Allele frequency attached by ClinVar (database versions not stated): 1000 Genomes Project 0.01418; TOPMed 0.02182; gnomAD 0.02323 and 0.02355; ESP Exome Variant Server 0.02345; ExAC 0.02467; gnomAD exomes 0.02492 and 0.03207; 1000 Genomes Project 30x 0.01405.
gnomAD v4.1: 50,246 of 1,614,108 alleles (3.1%); highest among the groups gnomAD compares: Non-Finnish European, 3.6%; 870 homozygotes.

Submissions (6):

Labcorp Genetics (formerly Invitae), Labcorp
Classification: Benign. Last evaluated: 2026-01-28. Review status: criteria provided, single submitter. Criteria: Invitae Variant Classification Sherloc (09022015). Collection method: clinical testing. Allele origin: germline.

Blueprint Genetics
Classification: Likely benign. Last evaluated: 2024-11-28. Review status: criteria provided, single submitter. Criteria: ACMG Guidelines, 2015. Collection method: clinical testing. Allele origin: germline.

Genome Diagnostics Laboratory, The Hospital for Sick Children
Classification: Likely benign for Kidney disorder. Last evaluated: 2019-11-01. Review status: criteria provided, single submitter. Criteria: ACMG Guidelines, 2015. Collection method: clinical testing. Allele origin: germline.

GeneDx
Classification: Benign. Last evaluated: 2016-02-08. Review status: criteria provided, single submitter. Criteria: GeneDx Variant Classification (06012015). Collection method: clinical testing. Allele origin: germline. Affected: yes.
Comment: This variant is considered likely benign or benign based on one or more of the following criteria: it is a conservative change, it occurs at a poorly conserved position in the protein, it is predicted to be benign by multiple in silico algorithms, and/or has population frequency not consistent with disease.

Breakthrough Genomics
Classification: Benign. Review status: criteria provided, single submitter. Criteria: ACMG Guidelines, 2015. Collection method: not provided. Allele origin: germline. Inheritance: Autosomal recessive inheritance. Affected: yes.

Mayo Clinic Laboratories, Mayo Clinic
Classification: Likely benign. Last evaluated: 2016-02-19. Review status: no assertion criteria provided. Collection method: clinical testing. Allele origin: unknown. Not counted in ClinVar's aggregate classification.